The following is an entry in ClinVar:

NM_005236.3(ERCC4):c.2T>G (p.Met1Arg)

Genes: ERCC4 (ERCC excision repair 4, endonuclease catalytic subunit; plus strand), LOC130058543 (ATAC-STARR-seq lymphoblastoid active region 10486; plus strand). Cytogenetic location: 16p13.12.
Variant type: single nucleotide variant.
Coding change: c.2T>G on transcript NM_005236.3 (MANE Select); coding-DNA position 2, T replaced by G.
Protein change: p.Met1Arg; changes the start codon (methionine 1).
Molecular consequence: missense variant, initiator codon variant.
Genome position (GRCh38, 1-based): chr16:13,920,167, T>G. VCF-style: chr16-13920167-T-G. GRCh37 (hg19) VCF-style: chr16-14014024-T-G.
Other names: short protein forms M1R.
Identifiers: ClinVar variation 2059946 (VCV002059946.2), dbSNP rs778859873, ClinGen allele CA7910052.

ClinVar aggregate classification (germline): Uncertain significance (1 of 4 stars; one submission).

Conditions:
Fanconi anemia complementation group Q. Identifiers: Orphanet 84, MedGen C3808988, MONDO:0014108, OMIM 615272.
Xeroderma pigmentosum, group F (XPF). Also called: XERODERMA PIGMENTOSUM, TYPE F; Xeroderma pigmentosum, type 6; XERODERMA PIGMENTOSUM VI; XP, GROUP F; XERODERMA PIGMENTOSUM, COMPLEMENTATION GROUP F; ERCC4-Related Xeroderma Pigmentosum. Identifiers: MedGen C0268140, MONDO:0010215, OMIM 278760.
Cockayne syndrome. Identifiers: Orphanet 191, MedGen C0009207, MONDO:0016006.

Allele frequency attached by ClinVar (database versions not stated): ExAC 0.00001; gnomAD 0.00001.

Submission:

Labcorp Genetics (formerly Invitae), Labcorp
Classification: Uncertain significance for Fanconi anemia complementation group Q; Xeroderma pigmentosum, group F; Cockayne syndrome. Last evaluated: 2022-08-27. Review status: criteria provided, single submitter. Criteria: Invitae Variant Classification Sherloc (09022015). Collection method: clinical testing. Allele origin: germline.
Comment: This sequence change affects the initiator methionine of the ERCC4 mRNA. The next in-frame methionine is located at codon 12. This variant is present in population databases (rs778859873, gnomAD 0.002%). This variant has not been reported in the literature in individuals affected with ERCC4-related conditions. Experimental studies and prediction algorithms are not available or were not evaluated, and the functional significance of this variant is currently unknown. In summary, the available evidence is currently insufficient to determine the role of this variant in disease. Therefore, it has been classified as a Variant of Uncertain Significance.